The following is an entry in ClinVar:

ClinVar aggregate classification (germline): Likely benign (1 of 4 stars; one submission).

gnomAD v4.1: 115 of 1,613,878 alleles (0.0071%); highest among the groups gnomAD compares: Admixed American, 0.073%; 1 homozygote.

Submission:

CeGaT Center for Human Genetics Tuebingen
Classification: Likely benign. Last evaluated: 2026-08-01. Review status: criteria provided, single submitter. Criteria: CeGaT Center For Human Genetics Tuebingen Variant Classification Criteria Version 2. Collection method: clinical testing. Allele origin: germline. Affected: yes. Observed: 1 variant allele.
Comment: KDM3B: BP4, BP7

NM_016604.4(KDM3B):c.3414C>T (p.Ala1138=)

Gene: KDM3B (lysine demethylase 3B; plus strand). Cytogenetic location: 5q31.2.
Variant type: single nucleotide variant.
Coding change: c.3414C>T on transcript NM_016604.4 (MANE Select); coding-DNA position 3414, C replaced by T.
Protein change: p.Ala1138=; no amino-acid change (alanine 1138 retained).
Molecular consequence: synonymous variant.
Genome position (GRCh38, 1-based): chr5:138,417,589, C>T. VCF-style: chr5-138417589-C-T. GRCh37 (hg19) VCF-style: chr5-137753278-C-T.
Identifiers: ClinVar variation 5038762 (VCV005038762.1).